The following is an entry in ClinVar:

NM_001918.5(DBT):c.995dup (p.Asn332fs)

Gene: DBT (dihydrolipoamide branched chain transacylase E2; minus strand). Cytogenetic location: 1p21.2.
Variant type: Duplication.
Coding change: c.995dup on transcript NM_001918.5 (MANE Select); coding-DNA position 995, one base duplicated (A; older notation c.995dupA).
Protein change: p.Asn332fs; shifts the reading frame from asparagine 332.
Molecular consequence: frameshift variant. On other transcripts: non-coding transcript variant (4).
Genome position (GRCh38, 1-based): chr1:100,210,716, T duplicated on the plus strand (A on the coding strand, the reverse complement: DBT is on the minus strand); the first of 4 consecutive T bases (chr1:100,210,716-100,210,719); duplicating any one gives the same sequence. VCF-style (leftmost placement, unchanged base first): chr1-100210715-G-GT. GRCh37 (hg19) VCF-style: chr1-100676271-G-GT.
Other names: c.452dup, p.Asn151fs (NM_001399969.1, NM_001399972.1); short protein forms N151fs, N332fs.
Identifiers: ClinVar variation 5015419 (VCV005015419.1).

ClinVar aggregate classification (germline): Pathogenic (1 of 4 stars; one submission).

Conditions:
Maple syrup urine disease type 2 (MSUD2). Also called: Maple syrup urine disease, type II. Identifiers: MedGen C1855371, MONDO:0023693, OMIM 620699.

Submission:

Myriad Genetics, Inc.
Classification: Pathogenic for Maple syrup urine disease type 2. Last evaluated: 2026-01-15. Review status: criteria provided, single submitter. Criteria: Myriad Autosomal Dominant, Autosomal Recessive and X-Linked Classification Criteria (2023). Collection method: clinical testing. Allele origin: unknown.
Comment: NM_001918.3(DBT):c.995dupA(N332Kfs*8) is expected to be pathogenic in the context of maple syrup urine disease type II. This variant is predicted to lead to an abnormal or absent protein product due to the creation of a premature termination codon in DBT, a gene where loss-of-function variants are known to be pathogenic. Please note: this variant was assessed in the context of healthy population screening.